The following is an entry in ClinVar:

NM_001405607.1(PBRM1):c.1544A>G (p.Asn515Ser)

Gene: PBRM1 (polybromo 1; minus strand). Cytogenetic location: 3p21.1.
Variant type: single nucleotide variant.
Coding change: c.1544A>G on transcript NM_001405607.1 (MANE Select); coding-DNA position 1544, A replaced by G.
Protein change: p.Asn515Ser; replaces asparagine 515 with serine.
Molecular consequence: missense variant. On other transcripts: non-coding transcript variant (1), intron variant (114).
Genome position (GRCh38, 1-based): chr3:52,624,939, T>C on the plus strand (A>G on the coding strand, the complement: PBRM1 is on the minus strand). VCF-style: chr3-52624939-T-C. GRCh37 (hg19) VCF-style: chr3-52658955-T-C.
Other names: c.1607A>G, p.Asn536Ser (NM_001350074.2, NM_001350076.2, NM_001350078.2 and 2 more transcripts); c.1598A>G, p.Asn533Ser (NM_001350077.2); c.1502A>G, p.Asn501Ser (NM_001366076.2); c.1544A>G, p.Asn515Ser (NM_001400471.1, NM_001405571.1, NM_001405601.1); c.1541+2334A>G (NM_001405585.1, NM_001405555.1, NM_001405556.1 and 69 more transcripts); c.1355+2334A>G (NM_001405573.1); c.1445+2334A>G (NM_001405572.1, NM_001405582.1, NM_001405602.1 and 6 more transcripts); c.1568+2334A>G (NM_001405586.1, NM_001405569.1, NM_001405580.1 and 4 more transcripts); and 15 more; short protein forms N536S, N501S, N533S, N515S.
Identifiers: ClinVar variation 133373 (VCV000133373.1), dbSNP rs587777964, ClinGen allele CA156464.

ClinVar aggregate classification (germline): not provided (0 of 4 stars; one submission).

Allele frequency attached by ClinVar (database versions not stated): TOPMed below 0.00001; gnomAD 0.00001; gnomAD exomes 0.00001.
gnomAD v4.1: 15 of 1,547,686 alleles (0.00097%); highest among the groups gnomAD compares: Middle Eastern, 0.033%; no homozygotes.

Submission:

ITMI
No classification provided. Condition: AllHighlyPenetrant. Last evaluated: 2013-09-19. Review status: no classification provided. Collection method: reference population. Allele origin: germline.
Comment: Please see associated publication for description of ethnicities

Literature cited by the submitters: PubMed 24728327.